The following is an entry in ClinVar:

ClinVar aggregate classification (germline): Uncertain significance. Review status: criteria provided, multiple submitters, no conflicts (2 of 4 stars). 2 submissions from 2 submitters: Uncertain significance (2). Last evaluated 2024-08-06.

Conditions:
Hereditary cancer-predisposing syndrome. Also called: Neoplastic Syndromes, Hereditary; Tumor predisposition; Hereditary neoplastic syndrome; Hereditary Cancer Syndrome. Identifiers: Orphanet 140162, MedGen C0027672, MeSH D009386, MONDO:0015356.
Gorlin syndrome. Also called: Basal cell nevus syndrome; Nevoid Basal Cell Carcinoma Syndrome. Identifiers: Orphanet 377, MedGen C0004779, MONDO:0007187.

gnomAD v4.1: 2 of 1,614,230 alleles (0.00012%); highest among the groups gnomAD compares: Non-Finnish European, 0.00017%; no homozygotes.

Submissions (2):

Labcorp Genetics (formerly Invitae), Labcorp
Classification: Uncertain significance for Gorlin syndrome. Last evaluated: 2024-08-06. Review status: criteria provided, single submitter. Criteria: Invitae Variant Classification Sherloc (09022015). Collection method: clinical testing. Allele origin: germline.
Comment: This sequence change replaces valine, which is neutral and non-polar, with methionine, which is neutral and non-polar, at codon 771 of the PTCH1 protein (p.Val771Met). This variant is not present in population databases (gnomAD no frequency). This variant has not been reported in the literature in individuals affected with PTCH1-related conditions. ClinVar contains an entry for this variant (Variation ID: 1789446). Advanced modeling of protein sequence and biophysical properties (such as structural, functional, and spatial information, amino acid conservation, physicochemical variation, residue mobility, and thermodynamic stability) performed at Invitae indicates that this missense variant is not expected to disrupt PTCH1 protein function with a negative predictive value of 95%. In summary, the available evidence is currently insufficient to determine the role of this variant in disease. Therefore, it has been classified as a Variant of Uncertain Significance.

Ambry Genetics
Classification: Uncertain significance for Hereditary cancer-predisposing syndrome. Last evaluated: 2022-08-07. Review status: criteria provided, single submitter. Criteria: Ambry Variant Classification Scheme 2023. Collection method: clinical testing. Allele origin: germline.
Comment: The p.V771M variant (also known as c.2311G>A), located in coding exon 15 of the PTCH1 gene, results from a G to A substitution at nucleotide position 2311. The valine at codon 771 is replaced by methionine, an amino acid with highly similar properties. This amino acid position is conserved. In addition, this alteration is predicted to be deleterious by in silico analysis. Since supporting evidence is limited at this time, the clinical significance of this alteration remains unclear.

NM_000264.5(PTCH1):c.2311G>A (p.Val771Met)

Genes: PTCH1 (patched 1; minus strand), LOC100507346 (uncharacterized LOC100507346; plus strand). Cytogenetic location: 9q22.32.
Variant type: single nucleotide variant.
Coding change: c.2311G>A on transcript NM_000264.5 (MANE Select); coding-DNA position 2311, G replaced by A.
Protein change: p.Val771Met; replaces valine 771 with methionine.
Molecular consequence: missense variant. On other transcripts: non-coding transcript variant (1).
Genome position (GRCh38, 1-based): chr9:95,467,365, C>T on the plus strand (G>A on the coding strand, the complement: PTCH1 is on the minus strand). VCF-style: chr9-95467365-C-T. GRCh37 (hg19) VCF-style: chr9-98229647-C-T.
Other names: c.2113G>A, p.Val705Met (NM_001083602.3); c.2308G>A, p.Val770Met (NM_001083603.3); c.1858G>A, p.Val620Met (NM_001083604.3, NM_001083605.3, NM_001083606.3 and 1 more transcripts); c.2155G>A, p.Val719Met (NM_001354918.2); short protein forms V620M, V705M, V719M, V770M, V771M.
Identifiers: ClinVar variation 1789446 (VCV001789446.4), dbSNP rs1357637254, ClinGen allele CA374114634.